The following is an entry in ClinVar:

NM_002890.3(RASA1):c.2345-69T>G

Genes: CCNH (cyclin H; minus strand), RASA1 (RAS p21 protein activator 1; plus strand). Cytogenetic location: 5q14.3.
Variant type: single nucleotide variant.
Coding change: c.2345-69T>G on transcript NM_002890.3 (MANE Select); 69 bases into the intron before coding-DNA position 2345, T replaced by G.
Molecular consequence: intron variant.
Genome position (GRCh38, 1-based): chr5:87,378,327, T>G. VCF-style: chr5-87378327-T-G. GRCh37 (hg19) VCF-style: chr5-86674144-T-G.
Other names: c.1814-69T>G (NM_022650.3); c.933+16717A>C (NM_001364075.2).
Identifiers: ClinVar variation 561452 (VCV000561452.4), dbSNP rs34110590, ClinGen allele CA121813803.

ClinVar aggregate classification (germline): Likely benign. Review status: criteria provided, multiple submitters, no conflicts (2 of 4 stars). 2 submissions from 2 submitters: Likely benign (2). Last evaluated 2018-06-19.

Allele frequency attached by ClinVar (database versions not stated): gnomAD 0.02156 and 0.02246; TOPMed 0.02280; 1000 Genomes Project 0.01398; 1000 Genomes Project 30x 0.01468; gnomAD exomes 0.02983.
gnomAD v4.1: 45,008 of 1,555,348 alleles (2.9%); highest among the groups gnomAD compares: Non-Finnish European, 3.5%; 822 homozygotes.

Submissions (2):

GeneDx
Classification: Likely benign. Last evaluated: 2018-06-19. Review status: criteria provided, single submitter. Criteria: GeneDx Variant Classification (06012015). Collection method: clinical testing. Allele origin: germline. Affected: yes.
Comment: This variant is considered likely benign or benign based on one or more of the following criteria: it is a conservative change, it occurs at a poorly conserved position in the protein, it is predicted to be benign by multiple in silico algorithms, and/or has population frequency not consistent with disease.

Breakthrough Genomics
Classification: Likely benign. Review status: criteria provided, single submitter. Criteria: ACMG Guidelines, 2015. Collection method: not provided. Allele origin: germline. Inheritance: Autosomal dominant inheritance. Affected: yes.